The following is an entry in ClinVar:

ClinVar aggregate classification (germline): Uncertain significance (1 of 4 stars; one submission).

Allele frequency attached by ClinVar (database versions not stated): TOPMed below 0.00001; ExAC 0.00001; gnomAD 0.00001; gnomAD exomes 0.00001.
gnomAD v4.1: 6 of 1,613,932 alleles (0.00037%); highest among the groups gnomAD compares: East Asian, 0.0022%; no homozygotes.

Submission:

Labcorp Genetics (formerly Invitae), Labcorp
Classification: Uncertain significance. Last evaluated: 2023-11-18. Review status: criteria provided, single submitter. Criteria: Invitae Variant Classification Sherloc (09022015). Collection method: clinical testing. Allele origin: germline.
Comment: This sequence change falls in intron 2 of the AASS gene. It does not directly change the encoded amino acid sequence of the AASS protein. It affects a nucleotide within the consensus splice site. This variant is present in population databases (rs754549039, gnomAD 0.006%). This variant has not been reported in the literature in individuals affected with AASS-related conditions. Variants that disrupt the consensus splice site are a relatively common cause of aberrant splicing (PMID: 17576681, 9536098). Algorithms developed to predict the effect of sequence changes on RNA splicing suggest that this variant is not likely to affect RNA splicing. In summary, the available evidence is currently insufficient to determine the role of this variant in disease. Therefore, it has been classified as a Variant of Uncertain Significance.

Literature cited by the submitters: PubMed 17576681; PubMed 9536098.

NM_005763.4(AASS):c.210+6T>A

Gene: AASS (aminoadipate-semialdehyde synthase; minus strand). Cytogenetic location: 7q31.32.
Variant type: single nucleotide variant.
Coding change: c.210+6T>A on transcript NM_005763.4 (MANE Select); 6 bases into the intron after coding-DNA position 210, T replaced by A.
Molecular consequence: intron variant.
Genome position (GRCh38, 1-based): chr7:122,133,511, A>T on the plus strand (T>A on the coding strand, the complement: AASS is on the minus strand). VCF-style: chr7-122133511-A-T. GRCh37 (hg19) VCF-style: chr7-121773565-A-T.
Identifiers: ClinVar variation 2962300 (VCV002962300.3), dbSNP rs754549039, ClinGen allele CA4458710.
Genomic context (GRCh38, chr7:122,133,511, plus strand): 5'-AGATGCTCCTTAATTTTCATATGCAGGTTCATTTTATTCTCACATAAAAATATTGGAAAT[A>T]CTCACCTTATCATGAATGGCCCGCCGATTCGAAGGCTGTATCAAGACCTTGTATCCCAGA-3'